The following is an entry in ClinVar:

ClinVar aggregate classification (germline): Conflicting classifications of pathogenicity. Review status: criteria provided, conflicting classifications (1 of 4 stars). 3 submissions from 3 submitters: Uncertain significance (1); Likely benign (2). Last evaluated 2025-01-12.

Conditions:
Inborn genetic diseases. Identifiers: MedGen C0950123, MeSH D030342.
Genitopatellar syndrome (GTPTS). Also called: ABSENT PATELLAE, SCROTAL HYPOPLASIA, RENAL ANOMALIES, FACIAL DYSMORPHISM, AND MENTAL RETARDATION; Genitopatellar syndrome (GPS). Identifiers: Orphanet 85201, MedGen C1853566, MONDO:0011640, OMIM 606170.
Blepharophimosis - intellectual disability syndrome, SBBYS type (SBBYSS). Also called: Young Simpson syndrome; Mental retardation unusual facies hypothyroidism; Say-Barber-Biesecker-Young-Simpson variant of Ohdo Syndrome; Ohdo syndrome, SBBYS variant; SBBYSS syndrome; Say-Barber-Biesecker Variant of Ohdo Syndrome. Identifiers: Orphanet 3047, MedGen C1863557, MONDO:0011365, OMIM 603736.

Allele frequency attached by ClinVar (database versions not stated): gnomAD exomes 0.00001 and 0.00002; ExAC 0.00002; TOPMed 0.00008; gnomAD 0.00009 and 0.00010.
gnomAD v4.1: 29 of 1,614,030 alleles (0.0018%); highest among the groups gnomAD compares: African/African-American, 0.031%; no homozygotes.

Submissions (3):

Labcorp Genetics (formerly Invitae), Labcorp
Classification: Uncertain significance for Genitopatellar syndrome. Last evaluated: 2025-01-12. Review status: criteria provided, single submitter. Criteria: Invitae Variant Classification Sherloc (09022015). Collection method: clinical testing. Allele origin: germline.
Comment: This sequence change replaces alanine, which is neutral and non-polar, with threonine, which is neutral and polar, at codon 1790 of the KAT6B protein (p.Ala1790Thr). This variant is present in population databases (rs766117254, gnomAD 0.03%). This variant has not been reported in the literature in individuals affected with KAT6B-related conditions. ClinVar contains an entry for this variant (Variation ID: 1348317). Invitae Evidence Modeling of protein sequence and biophysical properties (such as structural, functional, and spatial information, amino acid conservation, physicochemical variation, residue mobility, and thermodynamic stability) indicates that this missense variant is not expected to disrupt KAT6B protein function with a negative predictive value of 80%. In summary, the available evidence is currently insufficient to determine the role of this variant in disease. Therefore, it has been classified as a Variant of Uncertain Significance.

Ambry Genetics
Classification: Likely benign for Inborn genetic diseases. Last evaluated: 2024-12-20. Review status: criteria provided, single submitter. Criteria: Ambry Variant Classification Scheme 2023. Collection method: clinical testing. Allele origin: germline.

Fulgent Genetics
Classification: Likely benign for Blepharophimosis - intellectual disability syndrome, SBBYS type; Genitopatellar syndrome. Last evaluated: 2024-04-02. Review status: criteria provided, single submitter. Criteria: ACMG Guidelines, 2015. Collection method: clinical testing. Allele origin: germline.

NM_012330.4(KAT6B):c.5368G>A (p.Ala1790Thr)

Gene: KAT6B (lysine acetyltransferase 6B; plus strand). Cytogenetic location: 10q22.2.
Variant type: single nucleotide variant.
Coding change: c.5368G>A on transcript NM_012330.4 (MANE Select); coding-DNA position 5368, G replaced by A.
Protein change: p.Ala1790Thr; replaces alanine 1790 with threonine.
Molecular consequence: missense variant.
Genome position (GRCh38, 1-based): chr10:75,030,192, G>A. VCF-style: chr10-75030192-G-A. GRCh37 (hg19) VCF-style: chr10-76789950-G-A.
Other names: c.4819G>A, p.Ala1607Thr (NM_001256468.2, NM_001370138.1); c.4492G>A, p.Ala1498Thr (NM_001256469.2, NM_001370139.1, NM_001370140.1 and 2 more transcripts); c.4330G>A, p.Ala1444Thr (NM_001370132.1); c.3679G>A, p.Ala1227Thr (NM_001370133.1); c.3283G>A, p.Ala1095Thr (NM_001370134.1); c.3025G>A, p.Ala1009Thr (NM_001370135.1); c.5368G>A, p.Ala1790Thr (NM_001370136.1, NM_001370137.1); c.4303G>A, p.Ala1435Thr (NM_001370143.1, NM_001370144.1); and 1 more; short protein forms A1095T, A1435T, A1607T, A1790T, A1009T, A1227T, A1444T, A1498T.
Identifiers: ClinVar variation 1348317 (VCV001348317.11), dbSNP rs766117254, ClinGen allele CA5565187.